The following is an entry in ClinVar:

NM_025099.6(CTC1):c.1668_1671del (p.Glu557fs)

Gene: CTC1 (CST telomere replication complex component 1; minus strand). Cytogenetic location: 17p13.1.
Variant type: Deletion.
Coding change: c.1668_1671del on transcript NM_025099.6 (MANE Select); coding-DNA positions 1668 to 1671, 4 bases deleted (AGAA; older notation c.1668_1671delAGAA).
Protein change: p.Glu557fs; shifts the reading frame from glutamic acid 557.
Molecular consequence: frameshift variant. On other transcripts: non-coding transcript variant (1).
Genome position (GRCh38, 1-based): chr17:8,234,602-8,234,605, TTCT deleted on the plus strand (AGAA on the coding strand, the reverse complement: CTC1 is on the minus strand); deleting any 4 consecutive bases within chr17:8,234,602-8,234,608 gives the same sequence; the c. name uses the placement nearest the transcript's 3' end. VCF-style (leftmost placement, unchanged base first): chr17-8234601-CTTCT-C. GRCh37 (hg19) VCF-style: chr17-8137919-CTTCT-C.
Other names: c.1668_1671del (NM_025099.5); short protein forms E557fs.
Identifiers: ClinVar variation 1071034 (VCV001071034.9), dbSNP rs1237260493, ClinGen allele CA775737881.

ClinVar aggregate classification (germline): Pathogenic/Likely pathogenic. Review status: criteria provided, multiple submitters, no conflicts (2 of 4 stars). 3 submissions from 3 submitters: Pathogenic (1); Likely pathogenic (2). Last evaluated 2025-05-07.

Conditions:
CTC1-related disorder. Also called: CTC1-related condition.
Dyskeratosis congenita. Identifiers: Orphanet 1775, MedGen C0265965, MONDO:0015780.

Submissions (3):

GeneDx
Classification: Likely pathogenic. Last evaluated: 2025-05-07. Review status: criteria provided, single submitter. Criteria: GeneDx Variant Classification Process June 2021. Collection method: clinical testing. Allele origin: germline. Affected: yes.
Comment: Frameshift variant predicted to result in protein truncation or nonsense mediated decay in a gene for which loss of function is a known mechanism of disease; Not observed at significant frequency in large population cohorts (gnomAD); Has not been previously published as pathogenic or benign to our knowledge

Labcorp Genetics (formerly Invitae), Labcorp
Classification: Pathogenic for Dyskeratosis congenita. Last evaluated: 2024-10-16. Review status: criteria provided, single submitter. Criteria: Invitae Variant Classification Sherloc (09022015). Collection method: clinical testing. Allele origin: germline.
Comment: This sequence change creates a premature translational stop signal (p.Glu557Lysfs*90) in the CTC1 gene. It is expected to result in an absent or disrupted protein product. Loss-of-function variants in CTC1 are known to be pathogenic (PMID: 22267198, 22387016). This variant is not present in population databases (gnomAD no frequency). This variant has not been reported in the literature in individuals affected with CTC1-related conditions. ClinVar contains an entry for this variant (Variation ID: 1071034). For these reasons, this variant has been classified as Pathogenic.

Blueprint Genetics
Classification: Likely pathogenic for CTC1-related disorders. Last evaluated: 2022-10-27. Review status: criteria provided, single submitter. Criteria: ACMG Guidelines, 2015. Collection method: clinical testing. Allele origin: germline. Affected: yes. Observed: 2 variant alleles.

Literature cited by the submitters: PubMed 22267198 (cited by Labcorp Genetics (formerly Invitae), Labcorp); PubMed 22387016 (cited by Labcorp Genetics (formerly Invitae), Labcorp).